The following is an entry in ClinVar:

NM_014844.5(TECPR2):c.3326G>A (p.Trp1109Ter)

Gene: TECPR2 (tectonin beta-propeller repeat containing 2; plus strand). Cytogenetic location: 14q32.31.
Variant type: single nucleotide variant.
Coding change: c.3326G>A on transcript NM_014844.5 (MANE Select); coding-DNA position 3326, G replaced by A.
Protein change: p.Trp1109Ter; replaces tryptophan 1109 with a stop codon.
Molecular consequence: nonsense.
Genome position (GRCh38, 1-based): chr14:102,450,569, G>A. VCF-style: chr14-102450569-G-A. GRCh37 (hg19) VCF-style: chr14-102916906-G-A.
Other names: c.3326G>A, p.Trp1109Ter (NM_001172631.3); short protein forms W1109*.
Identifiers: ClinVar variation 1072053 (VCV001072053.7), dbSNP rs2139752366, ClinGen allele CA391068427.

ClinVar aggregate classification (germline): Pathogenic (1 of 4 stars; one submission).

Conditions:
Hereditary spastic paraplegia 49 (HSAN9). Also called: Spastic paraplegia 49, autosomal recessive; NEUROPATHY, HEREDITARY SENSORY AND AUTONOMIC, TYPE IX, WITH DEVELOPMENTAL DELAY; TECPR2-Related Hereditary Sensory and Autonomic Neuropathy with Intellectual Disability. Identifiers: Orphanet 320385, MedGen C5190860, MONDO:0014016, OMIM 615031.

Submission:

Labcorp Genetics (formerly Invitae), Labcorp
Classification: Pathogenic for Hereditary spastic paraplegia 49. Last evaluated: 2020-05-21. Review status: criteria provided, single submitter. Criteria: Invitae Variant Classification Sherloc (09022015). Collection method: clinical testing. Allele origin: germline.
Comment: For these reasons, this variant has been classified as Pathogenic. Loss-of-function variants in TECPR2 are known to be pathogenic (PMID: 23176824, 25590979). This variant has not been reported in the literature in individuals with TECPR2-related conditions. This variant is not present in population databases (ExAC no frequency). This sequence change creates a premature translational stop signal (p.Trp1109*) in the TECPR2 gene. It is expected to result in an absent or disrupted protein product.

Literature cited by the submitters: PubMed 23176824; PubMed 25590979.